The following is an entry in ClinVar:

NM_000094.4(COL7A1):c.4095del (p.Arg1366fs)

Gene: COL7A1 (collagen type VII alpha 1 chain; minus strand). Cytogenetic location: 3p21.31.
Variant type: Deletion.
Coding change: c.4095del on transcript NM_000094.4 (MANE Select); coding-DNA position 4095, one base deleted (G; older notation c.4095delG).
Protein change: p.Arg1366fs; shifts the reading frame from arginine 1366.
Molecular consequence: frameshift variant.
Genome position (GRCh38, 1-based): chr3:48,584,509, C deleted on the plus strand (G on the coding strand, the reverse complement: COL7A1 is on the minus strand); the first of 3 consecutive C bases (chr3:48,584,509-48,584,511); deleting any one gives the same sequence. VCF-style (leftmost placement, unchanged base first): chr3-48584508-GC-G. GRCh37 (hg19) VCF-style: chr3-48621941-GC-G.
Other names: short protein forms R1366fs.
Identifiers: ClinVar variation 2203374 (VCV002203374.4), dbSNP rs1560243788, ClinGen allele CA543046033.

ClinVar aggregate classification (germline): Pathogenic (1 of 4 stars; one submission).

Submission:

Labcorp Genetics (formerly Invitae), Labcorp
Classification: Pathogenic. Last evaluated: 2022-06-29. Review status: criteria provided, single submitter. Criteria: Invitae Variant Classification Sherloc (09022015). Collection method: clinical testing. Allele origin: germline.
Comment: For these reasons, this variant has been classified as Pathogenic. This premature translational stop signal has been observed in individual(s) with autosomal recessive dystrophic epidermolysis bullosa (PMID: 10504458). This variant is present in population databases (no rsID available, gnomAD 0.0009%). This sequence change creates a premature translational stop signal (p.Arg1366Glyfs*33) in the COL7A1 gene. It is expected to result in an absent or disrupted protein product. Loss-of-function variants in COL7A1 are known to be pathogenic (PMID: 16971478).

Literature cited by the submitters: PubMed 10504458; PubMed 16971478.